The following is an entry in ClinVar:

ClinVar aggregate classification (germline): Uncertain significance (1 of 4 stars; one submission).

Conditions:
Immunodeficiency 132A. Also called: Herpes simplex encephalitis, susceptibility to, 3. Identifiers: Orphanet 1930, MedGen C3553868, MONDO:0013920, OMIM 614849.

gnomAD v4.1: 11 of 1,614,064 alleles (0.00068%); highest among the groups gnomAD compares: Non-Finnish European, 0.00051%; no homozygotes.

Submission:

Labcorp Genetics (formerly Invitae), Labcorp
Classification: Uncertain significance for Immunodeficiency 132A. Last evaluated: 2024-08-04. Review status: criteria provided, single submitter. Criteria: Invitae Variant Classification Sherloc (09022015). Collection method: clinical testing. Allele origin: germline.
Comment: This sequence change replaces arginine, which is basic and polar, with tryptophan, which is neutral and slightly polar, at codon 173 of the TRAF3 protein (p.Arg173Trp). This variant is present in population databases (no rsID available, gnomAD 0.002%). This variant has not been reported in the literature in individuals affected with TRAF3-related conditions. An algorithm developed to predict the effect of missense changes on protein structure and function (PolyPhen-2) suggests that this variant is likely to be disruptive. In summary, the available evidence is currently insufficient to determine the role of this variant in disease. Therefore, it has been classified as a Variant of Uncertain Significance.

NM_145725.3(TRAF3):c.517C>T (p.Arg173Trp)

Gene: TRAF3 (TNF receptor associated factor 3; plus strand). Cytogenetic location: 14q32.32.
Variant type: single nucleotide variant.
Coding change: c.517C>T on transcript NM_145725.3 (MANE Select); coding-DNA position 517, C replaced by T.
Protein change: p.Arg173Trp; replaces arginine 173 with tryptophan.
Molecular consequence: missense variant.
Genome position (GRCh38, 1-based): chr14:102,876,472, C>T. VCF-style: chr14-102876472-C-T. GRCh37 (hg19) VCF-style: chr14-103342809-C-T.
Other names: c.517C>T, p.Arg173Trp (NM_001199427.2, NM_001385142.1, NM_001385143.1 and 2 more transcripts); short protein forms R173W.
Identifiers: ClinVar variation 3625667 (VCV003625667.2).